The following is an entry in ClinVar:

NM_003072.5(SMARCA4):c.2862G>A (p.Val954=)

Gene: SMARCA4 (SWI/SNF related BAF chromatin remodeling complex subunit ATPase 4; plus strand). Cytogenetic location: 19p13.2.
Variant type: single nucleotide variant.
Coding change: c.2862G>A on transcript NM_003072.5 (MANE Select); coding-DNA position 2862, G replaced by A.
Protein change: p.Val954=; no amino-acid change (valine 954 retained).
Molecular consequence: synonymous variant. On other transcripts: non-coding transcript variant (1).
Genome position (GRCh38, 1-based): chr19:11,023,520, G>A. VCF-style: chr19-11023520-G-A. GRCh37 (hg19) VCF-style: chr19-11134196-G-A.
Other names: c.2862G>A, p.Val954= (NM_001128844.3, NM_001128845.2, NM_001128846.2 and 6 more transcripts).
Identifiers: ClinVar variation 3649482 (VCV003649482.2).

ClinVar aggregate classification (germline): Uncertain significance (1 of 4 stars; one submission).

Conditions:
Rhabdoid tumor predisposition syndrome 2 (RTPS2). Identifiers: Orphanet 231108, Orphanet 69077, MedGen C2750074, MONDO:0013224, OMIM 613325.

Submission:

Labcorp Genetics (formerly Invitae), Labcorp
Classification: Uncertain significance for Rhabdoid tumor predisposition syndrome 2. Last evaluated: 2025-04-02. Review status: criteria provided, single submitter. Criteria: Invitae Variant Classification Sherloc (09022015). Collection method: clinical testing. Allele origin: germline.
Comment: This sequence change affects codon 954 of the SMARCA4 mRNA. It is a 'silent' change, meaning that it does not change the encoded amino acid sequence of the SMARCA4 protein. This variant is not present in population databases (gnomAD no frequency). This variant has not been reported in the literature in individuals affected with SMARCA4-related conditions. ClinVar contains an entry for this variant (Variation ID: 3649482). Algorithms developed to predict the effect of sequence changes on RNA splicing suggest that this variant may create or strengthen a splice site. In summary, the available evidence is currently insufficient to determine the role of this variant in disease. Therefore, it has been classified as a Variant of Uncertain Significance.